The following is an entry in ClinVar:

NM_000252.3(MTM1):c.1205G>T (p.Gly402Val)

Gene: MTM1 (myotubularin 1; plus strand). Cytogenetic location: Xq28.
Variant type: single nucleotide variant.
Coding change: c.1205G>T on transcript NM_000252.3 (MANE Select); coding-DNA position 1205, G replaced by T.
Protein change: p.Gly402Val; replaces glycine 402 with valine.
Molecular consequence: missense variant.
Genome position (GRCh38, 1-based): chrX:150,657,972, G>T. VCF-style: chrX-150657972-G-T. GRCh37 (hg19) VCF-style: chrX-149826445-G-T.
Other names: c.1205G>T, p.Gly402Val (NM_001376906.1, NM_001376908.1); c.1094G>T, p.Gly365Val (NM_001376907.1); short protein forms G365V, G402V.
Identifiers: ClinVar variation 1806312 (VCV001806312.3), dbSNP rs587783762, ClinGen allele CA415258758.
Genomic context (GRCh38, chrX:150,657,972, plus strand): 5'-CTGCTCAGCTGACATCCTTGGCCATGCTGATGTTGGATAGCTTCTATAGGAGCATTGAAG[G>T]GTTCGAAATACTGGTACAAAAAGAATGGATAAGTTTTGGACATAAATTTGCATCTGTGAG-3'
Protein context (NP_000243.1, residues 392-412): MLDSFYRSIE[Gly402Val]FEILVQKEWI

ClinVar aggregate classification (germline): Pathogenic (1 of 4 stars; one submission).

Conditions:
Severe X-linked myotubular myopathy (CNMX). Also called: X-linked centronuclear myopathy; Myotubular myopathy, X-linked; MYOTUBULAR MYOPATHY 1. Identifiers: Orphanet 596, MedGen C0410203, MONDO:0010683, OMIM 310400.

Submission:

Victorian Clinical Genetics Services, Murdoch Childrens Research Institute
Classification: Pathogenic for Severe X-linked myotubular myopathy. Last evaluated: 2024-10-10. Review status: criteria provided, single submitter. Criteria: ACMG Guidelines, 2015. Collection method: clinical testing. Allele origin: germline. Inheritance: X-linked recessive inheritance.
Comment: Based on the classification scheme VCGS_Germline_v1.3.3, this variant is classified as Pathogenic. Following criteria are met: 0102 - Loss of function is a known mechanism of disease in this gene and is associated with myotubular myopathy. (I) 0109 - This gene is associated with X-linked recessive disease. However, manifesting carrier females presenting variable disease severity are increasingly being identified (PMID: 20301605, 28685322). (I) 0200 - Variant is predicted to result in a missense amino acid change from glycine to valine (exon 11). (I) 0251 - This variant is heterozygous. (I) 0301 - Variant is absent from gnomAD (both v2 and v3). (SP) 0501 - Missense variant consistently predicted to be damaging by multiple in silico tools or highly conserved with a major amino acid change. (SP) 0600 - Variant is located in the annotated myotubularin-like phosphatase domain (NCBI, PDB, Decipher). (I) 0702 - Other missense variants comparable to the one identified in this case have strong previous evidence for pathogenicity. Two different variants in the same codon resulting in changes to arginine and alanine have also been shown to cause myotubular myopathy (ClinVar, PMID: 10790201, 11793470). (SP) 0803 - This variant has limited previous evidence of pathogenicity in one hemizygous individual with severe myotubular myopathy (PMID: 9829274). (SP) 0905 - No published segregation evidence has been identified for this variant. (I) 1007 - No published functional evidence has been identified for this variant. (SP) Legend: (I) - Information, (SP) – Supporting Pathogenic, (SB) - Supporting Benign

Literature cited by the submitters: NCBI Bookshelf NBK1432; PubMed 9829274; PubMed 10790201; PubMed 11793470; PubMed 20301605; PubMed 28685322.